The following is an entry in ClinVar:

NM_000257.4(MYH7):c.1606GAG[1] (p.Glu537del)

Gene: MYH7 (myosin heavy chain 7; minus strand). Cytogenetic location: 14q11.2.
Variant type: Microsatellite.
Coding change: c.1606GAG[1] on transcript NM_000257.4 (MANE Select); one copy of the 3-base unit GAG starting at c.1606; the reference has two copies in a row; one copy, 3 bases deleted.
Protein change: p.Glu537del; deletes glutamic acid 537.
Molecular consequence: inframe deletion.
Genome position (GRCh38, 1-based): chr14:23,427,862-23,427,864, CTC deleted on the plus strand (GAG on the coding strand, the reverse complement: MYH7 is on the minus strand); deleting any 3 consecutive bases within chr14:23,427,862-23,427,867 gives the same sequence; the position shown is the placement nearest the transcript's 3' end. VCF-style (leftmost placement, unchanged base first): chr14-23427861-ACTC-A. GRCh37 (hg19) VCF-style: chr14-23897070-ACTC-A.
Other names: c.1606GAG[1], p.Glu537del (NM_001407004.1); short protein forms E537del.
Identifiers: ClinVar variation 2702556 (VCV002702556.3), dbSNP rs2502297508, ClinGen allele CA2624235132.

ClinVar aggregate classification (germline): Uncertain significance (1 of 4 stars; one submission).

Conditions:
Hypertrophic cardiomyopathy. Also called: HYPERTROPHIC MYOCARDIOPATHY. Identifiers: Orphanet 217569, MedGen C0007194, MeSH D002312, MONDO:0005045, HP:0001639.

Submission:

Labcorp Genetics (formerly Invitae), Labcorp
Classification: Uncertain significance for Hypertrophic cardiomyopathy. Last evaluated: 2023-12-12. Review status: criteria provided, single submitter. Criteria: Invitae Variant Classification Sherloc (09022015). Collection method: clinical testing. Allele origin: germline.
Comment: This variant, c.1609_1611del, results in the deletion of 1 amino acid(s) of the MYH7 protein (p.Glu537del), but otherwise preserves the integrity of the reading frame. This variant is not present in population databases (gnomAD no frequency). This variant has not been reported in the literature in individuals affected with MYH7-related conditions. Experimental studies and prediction algorithms are not available or were not evaluated, and the functional significance of this variant is currently unknown. In summary, the available evidence is currently insufficient to determine the role of this variant in disease. Therefore, it has been classified as a Variant of Uncertain Significance.